The following is an entry in ClinVar:

NM_000642.3(AGL):c.2498A>G (p.Gln833Arg)

Gene: AGL (amylo-alpha-1,6-glucosidase and 4-alpha-glucanotransferase; plus strand). Cytogenetic location: 1p21.2.
Variant type: single nucleotide variant.
Coding change: c.2498A>G on transcript NM_000642.3 (MANE Select); coding-DNA position 2498, A replaced by G.
Protein change: p.Gln833Arg; replaces glutamine 833 with arginine.
Molecular consequence: missense variant.
Genome position (GRCh38, 1-based): chr1:99,884,403, A>G. VCF-style: chr1-99884403-A-G. GRCh37 (hg19) VCF-style: chr1-100349959-A-G.
Other names: c.2498A>G, p.Gln833Arg (NM_000028.3, NM_000643.3, NM_000644.3 and 2 more transcripts); c.2450A>G, p.Gln817Arg (NM_000646.3); c.2297A>G, p.Gln766Arg (NM_001425327.1); c.2294A>G, p.Gln765Arg (NM_001425328.1, NM_001425329.1); c.2120A>G, p.Gln707Arg (NM_001425332.1); short protein forms Q833R, Q817R, Q707R, Q765R, Q766R.
Identifiers: ClinVar variation 2135364 (VCV002135364.4), dbSNP rs1557767066, ClinGen allele CA341321258.

ClinVar aggregate classification (germline): Uncertain significance (1 of 4 stars; one submission).

Conditions:
Glycogen storage disease type III (GSD3). Also called: Cori disease; FORBES DISEASE. Identifiers: Orphanet 366, MedGen C0017922, MONDO:0009291, OMIM 232400.

Submission:

Labcorp Genetics (formerly Invitae), Labcorp
Classification: Uncertain significance for Glycogen storage disease type III. Last evaluated: 2022-09-13. Review status: criteria provided, single submitter. Criteria: Invitae Variant Classification Sherloc (09022015). Collection method: clinical testing. Allele origin: germline.
Comment: This sequence change replaces glutamine, which is neutral and polar, with arginine, which is basic and polar, at codon 833 of the AGL protein (p.Gln833Arg). This variant is not present in population databases (gnomAD no frequency). This variant has not been reported in the literature in individuals affected with AGL-related conditions. Advanced modeling of protein sequence and biophysical properties (such as structural, functional, and spatial information, amino acid conservation, physicochemical variation, residue mobility, and thermodynamic stability) performed at Invitae indicates that this missense variant is not expected to disrupt AGL protein function. In summary, the available evidence is currently insufficient to determine the role of this variant in disease. Therefore, it has been classified as a Variant of Uncertain Significance.